The following is an entry in ClinVar:

ClinVar aggregate classification (germline): Uncertain significance. Review status: criteria provided, multiple submitters, no conflicts (2 of 4 stars). 2 submissions from 2 submitters: Uncertain significance (2). Last evaluated 2022-04-01.

Conditions:
Reticular dysgenesis. Also called: ALEUKOCYTOSIS; CONGENITAL ALEUKIA; HEMATOPOIETIC HYPOPLASIA, GENERALIZED; RETICULAR DYSGENESIA; SEVERE COMBINED IMMUNODEFICIENCY WITH LEUKOPENIA; DeVaal disease. Identifiers: Orphanet 33355, MedGen C0272167, MONDO:0009973, OMIM 267500.

Allele frequency attached by ClinVar (database versions not stated): gnomAD 0.00004 and 0.00005; TOPMed 0.00006; ExAC 0.00007; ESP Exome Variant Server 0.00008; 1000 Genomes Project 30x 0.00016; 1000 Genomes Project 0.00020.
gnomAD v4.1: 122 of 1,612,068 alleles (0.0076%); highest among the groups gnomAD compares: Non-Finnish European, 0.01%; no homozygotes.

Submissions (2):

Labcorp Genetics (formerly Invitae), Labcorp
Classification: Uncertain significance for Reticular dysgenesis. Last evaluated: 2022-04-01. Review status: criteria provided, single submitter. Criteria: Invitae Variant Classification Sherloc (09022015). Collection method: clinical testing. Allele origin: germline.
Comment: This sequence change replaces arginine, which is basic and polar, with histidine, which is basic and polar, at codon 150 of the AK2 protein (p.Arg150His). This variant is present in population databases (rs149227118, gnomAD 0.01%). This variant has not been reported in the literature in individuals affected with AK2-related conditions. ClinVar contains an entry for this variant (Variation ID: 944021). Algorithms developed to predict the effect of missense changes on protein structure and function are either unavailable or do not agree on the potential impact of this missense change (SIFT: "Deleterious"; PolyPhen-2: "Benign"; Align-GVGD: "Class C25"). In summary, the available evidence is currently insufficient to determine the role of this variant in disease. Therefore, it has been classified as a Variant of Uncertain Significance.

GeneDx
Classification: Uncertain significance. Last evaluated: 2019-09-23. Review status: criteria provided, single submitter. Criteria: GeneDx Variant Classification Process June 2021. Collection method: clinical testing. Allele origin: germline. Affected: yes.
Comment: In silico analysis, which includes protein predictors and evolutionary conservation, supports a deleterious effect; Has not been previously published as pathogenic or benign to our knowledge

NM_001625.4(AK2):c.449G>A (p.Arg150His)

Gene: AK2 (adenylate kinase 2; minus strand). Cytogenetic location: 1p35.1.
Variant type: single nucleotide variant.
Coding change: c.449G>A on transcript NM_001625.4 (MANE Select); coding-DNA position 449, G replaced by A.
Protein change: p.Arg150His; replaces arginine 150 with histidine.
Molecular consequence: missense variant. On other transcripts: synonymous variant (1), non-coding transcript variant (1).
Genome position (GRCh38, 1-based): chr1:33,014,571, C>T on the plus strand (G>A on the coding strand, the complement: AK2 is on the minus strand). VCF-style: chr1-33014571-C-T. GRCh37 (hg19) VCF-style: chr1-33480172-C-T.
Other names: c.425G>A, p.Arg142His (NM_001199199.3); c.305G>A, p.Arg102His (NM_001319139.3, NM_001319140.2); c.449G>A, p.Arg150His (NM_001319141.3, NM_013411.5); c.323G>A, p.Arg108His (NM_001319142.3); c.354G>A, p.Pro118= (NM_001319143.2); short protein forms R142H, R150H, R108H, R102H.
Identifiers: ClinVar variation 944021 (VCV000944021.8), dbSNP rs149227118, ClinGen allele CA747119.